The following is an entry in ClinVar:

NM_004397.6(DDX6):c.301T>A (p.Tyr101Asn)

Gene: DDX6 (DEAD-box helicase 6; minus strand). Cytogenetic location: 11q23.3.
Variant type: single nucleotide variant.
Coding change: c.301T>A on transcript NM_004397.6 (MANE Select); coding-DNA position 301, T replaced by A.
Protein change: p.Tyr101Asn; replaces tyrosine 101 with asparagine.
Molecular consequence: missense variant. On other transcripts: 5 prime UTR variant (1).
Genome position (GRCh38, 1-based): chr11:118,779,700, A>T on the plus strand (T>A on the coding strand, the complement: DDX6 is on the minus strand). VCF-style: chr11-118779700-A-T. GRCh37 (hg19) VCF-style: chr11-118650409-A-T.
Other names: c.301T>A, p.Tyr101Asn (NM_001257191.3, NM_001425145.1, NM_001425146.1 and 7 more transcripts); c.-24T>A (NM_001425154.1); short protein forms Y101N.
Identifiers: ClinVar variation 5008156 (VCV005008156.1).
Genomic context (GRCh38, chr11:118,779,700, plus strand): 5'-GAGATGGCTTTTCCCAGCCCATTTCAAAAATTCCCATCAGTAACTCCCGTTTCAAACAGT[A>T]ATCTTCAAACTCATTTCCTTTTGTGGAGGTCACATCCTAGTCAAACAAAAAGGAACAATA-3'
Protein context (NP_004388.2, residues 91-111): TSTKGNEFED[Tyr101Asn]CLKRELLMGI

ClinVar aggregate classification (germline): Uncertain significance (1 of 4 stars; one submission).

Submission:

GeneDx
Classification: Uncertain significance. Last evaluated: 2026-02-26. Review status: criteria provided, single submitter. Criteria: GeneDx Variant Classification Process June 2021. Collection method: clinical testing. Allele origin: germline.
Comment: Not observed at significant frequency in large population cohorts (gnomAD); In silico analysis supports that this missense variant has a deleterious effect on protein structure/function; Has not been previously published as pathogenic or benign to our knowledge